The following is an entry in ClinVar:

ClinVar aggregate classification (germline): Uncertain significance. Review status: criteria provided, multiple submitters, no conflicts (2 of 4 stars). 2 submissions from 2 submitters: Uncertain significance (2). Last evaluated 2025-07-14.

Conditions:
Hereditary cancer-predisposing syndrome. Also called: Tumor predisposition; Hereditary Cancer Syndrome; Hereditary neoplastic syndrome; Neoplastic Syndromes, Hereditary. Identifiers: Orphanet 140162, MedGen C0027672, MeSH D009386, MONDO:0015356.
Familial adenomatous polyposis 1 (FAP1). Also called: FAMILIAL ADENOMATOUS POLYPOSIS 1, ATTENUATED; POLYPOSIS, ADENOMATOUS INTESTINAL. Identifiers: MedGen C2713442, MONDO:0021056, OMIM 175100. Disease mechanism: loss of function.

Submissions (2):

Ambry Genetics
Classification: Uncertain significance for Hereditary cancer-predisposing syndrome. Last evaluated: 2025-07-14. Review status: criteria provided, single submitter. Criteria: Ambry Variant Classification Scheme 2023. Collection method: clinical testing. Allele origin: germline.
Comment: The p.L1612R variant (also known as c.4835T>G), located in coding exon 15 of the APC gene, results from a T to G substitution at nucleotide position 4835. The leucine at codon 1612 is replaced by arginine, an amino acid with dissimilar properties. This amino acid position is conserved. In addition, in silico predictors for this gene do not accurately predict pathogenicity. Based on the available evidence, the clinical significance of this variant remains unclear.

Labcorp Genetics (formerly Invitae), Labcorp
Classification: Uncertain significance for Familial adenomatous polyposis 1. Last evaluated: 2021-11-02. Review status: criteria provided, single submitter. Criteria: Invitae Variant Classification Sherloc (09022015). Collection method: clinical testing. Allele origin: germline.
Comment: Algorithms developed to predict the effect of missense changes on protein structure and function are either unavailable or do not agree on the potential impact of this missense change (SIFT: "Deleterious"; PolyPhen-2: "Probably Damaging"; Align-GVGD: "Class C0"). This variant has not been reported in the literature in individuals affected with APC-related conditions. This variant is not present in population databases (gnomAD no frequency). This sequence change replaces leucine, which is neutral and non-polar, with arginine, which is basic and polar, at codon 1612 of the APC protein (p.Leu1612Arg). In summary, the available evidence is currently insufficient to determine the role of this variant in disease. Therefore, it has been classified as a Variant of Uncertain Significance.

NM_000038.6(APC):c.4835T>G (p.Leu1612Arg)

Gene: APC (APC regulator of Wnt signaling pathway; plus strand). Cytogenetic location: 5q22.2.
Variant type: single nucleotide variant.
Coding change: c.4835T>G on transcript NM_000038.6 (MANE Select); coding-DNA position 4835, T replaced by G.
Protein change: p.Leu1612Arg; replaces leucine 1612 with arginine.
Molecular consequence: missense variant.
Genome position (GRCh38, 1-based): chr5:112,840,429, T>G. VCF-style: chr5-112840429-T-G. GRCh37 (hg19) VCF-style: chr5-112176126-T-G.
Other names: c.4781T>G, p.Leu1594Arg (NM_001127511.3); c.4835T>G, p.Leu1612Arg (NM_001354895.2, NM_001127510.3); c.4889T>G, p.Leu1630Arg (NM_001354896.2); c.4865T>G, p.Leu1622Arg (NM_001354897.2); c.4760T>G, p.Leu1587Arg (NM_001354898.2); c.4751T>G, p.Leu1584Arg (NM_001354899.2); c.4712T>G, p.Leu1571Arg (NM_001354900.2); c.4658T>G, p.Leu1553Arg (NM_001354901.2); and 6 more; short protein forms L1329R, L1452R, L1553R, L1584R, L1622R, L1511R, L1571R, L1486R.
Identifiers: ClinVar variation 1482654 (VCV001482654.7), dbSNP rs2149925056, ClinGen allele CA16031927.